The following is an entry in ClinVar:

NM_014727.3(KMT2B):c.4071C>G (p.Cys1357Trp)

Gene: KMT2B (lysine methyltransferase 2B; plus strand). Cytogenetic location: 19q13.12.
Variant type: single nucleotide variant.
Coding change: c.4071C>G on transcript NM_014727.3 (MANE Select); coding-DNA position 4071, C replaced by G.
Protein change: p.Cys1357Trp; replaces cysteine 1357 with tryptophan.
Molecular consequence: missense variant.
Genome position (GRCh38, 1-based): chr19:35,727,223, C>G. VCF-style: chr19-35727223-C-G. GRCh37 (hg19) VCF-style: chr19-36218124-C-G.
Other names: short protein forms C1357W.
Identifiers: ClinVar variation 1408966 (VCV001408966.6), dbSNP rs370078762, ClinGen allele CA405413092.

ClinVar aggregate classification (germline): Uncertain significance (1 of 4 stars; one submission).

Submission:

Labcorp Genetics (formerly Invitae), Labcorp
Classification: Uncertain significance. Last evaluated: 2021-08-03. Review status: criteria provided, single submitter. Criteria: Invitae Variant Classification Sherloc (09022015). Collection method: clinical testing. Allele origin: germline.
Comment: In summary, the available evidence is currently insufficient to determine the role of this variant in disease. Therefore, it has been classified as a Variant of Uncertain Significance. Algorithms developed to predict the effect of missense changes on protein structure and function are either unavailable or do not agree on the potential impact of this missense change (SIFT: "Deleterious"; PolyPhen-2: "Not Available"; Align-GVGD: "Class C0"). This variant has not been reported in the literature in individuals affected with KMT2B-related conditions. This variant is not present in population databases (ExAC no frequency). This sequence change replaces cysteine with tryptophan at codon 1357 of the KMT2B protein (p.Cys1357Trp). The cysteine residue is highly conserved and there is a large physicochemical difference between cysteine and tryptophan.